The following is an entry in ClinVar:

NM_001145715.3(KPNA7):c.109A>G (p.Lys37Glu)

Gene: KPNA7 (karyopherin subunit alpha 7; minus strand). Cytogenetic location: 7q22.1.
Variant type: single nucleotide variant.
Coding change: c.109A>G on transcript NM_001145715.3 (MANE Select); coding-DNA position 109, A replaced by G.
Protein change: p.Lys37Glu; replaces lysine 37 with glutamic acid.
Molecular consequence: missense variant.
Genome position (GRCh38, 1-based): chr7:99,203,198, T>C on the plus strand (A>G on the coding strand, the complement: KPNA7 is on the minus strand). VCF-style: chr7-99203198-T-C. GRCh37 (hg19) VCF-style: chr7-98800821-T-C.
Other names: short protein forms K37E.
Identifiers: ClinVar variation 1474398 (VCV001474398.6), dbSNP rs1374650851, ClinGen allele CA368421302.

ClinVar aggregate classification (germline): Uncertain significance (1 of 4 stars; one submission).

Allele frequency attached by ClinVar (database versions not stated): TOPMed below 0.00001; gnomAD 0.00001; gnomAD exomes 0.00001.
gnomAD v4.1: 22 of 1,551,602 alleles (0.0014%); highest among the groups gnomAD compares: Non-Finnish European, 0.0018%; no homozygotes.

Submission:

Labcorp Genetics (formerly Invitae), Labcorp
Classification: Uncertain significance. Last evaluated: 2022-07-25. Review status: criteria provided, single submitter. Criteria: Invitae Variant Classification Sherloc (09022015). Collection method: clinical testing. Allele origin: germline.
Comment: In summary, the available evidence is currently insufficient to determine the role of this variant in disease. Therefore, it has been classified as a Variant of Uncertain Significance. Algorithms developed to predict the effect of missense changes on protein structure and function (SIFT, PolyPhen-2, Align-GVGD) all suggest that this variant is likely to be disruptive. ClinVar contains an entry for this variant (Variation ID: 1474398). This variant has not been reported in the literature in individuals affected with KPNA7-related conditions. This variant is present in population databases (no rsID available, gnomAD 0.003%). This sequence change replaces lysine, which is basic and polar, with glutamic acid, which is acidic and polar, at codon 37 of the KPNA7 protein (p.Lys37Glu).